The following is an entry in ClinVar:

NM_001004334.4(GPR179):c.6695A>G (p.Asn2232Ser)

Gene: GPR179 (G protein-coupled receptor 179; minus strand). Cytogenetic location: 17q12.
Variant type: single nucleotide variant.
Coding change: c.6695A>G on transcript NM_001004334.4 (MANE Select); coding-DNA position 6695, A replaced by G.
Protein change: p.Asn2232Ser; replaces asparagine 2232 with serine.
Molecular consequence: missense variant.
Genome position (GRCh38, 1-based): chr17:38,326,874, T>C on the plus strand (A>G on the coding strand, the complement: GPR179 is on the minus strand). VCF-style: chr17-38326874-T-C. GRCh37 (hg19) VCF-style: chr17-36482757-T-C.
Other names: short protein forms N2232S.
Identifiers: ClinVar variation 1483470 (VCV001483470.5), dbSNP rs2144253996, ClinGen allele CA398868695.

ClinVar aggregate classification (germline): Uncertain significance (1 of 4 stars; one submission).

Allele frequency attached by ClinVar (database versions not stated): gnomAD exomes below 0.00001.

Submission:

Labcorp Genetics (formerly Invitae), Labcorp
Classification: Uncertain significance. Last evaluated: 2022-06-13. Review status: criteria provided, single submitter. Criteria: Invitae Variant Classification Sherloc (09022015). Collection method: clinical testing. Allele origin: germline.
Comment: This sequence change replaces asparagine, which is neutral and polar, with serine, which is neutral and polar, at codon 2232 of the GPR179 protein (p.Asn2232Ser). This variant is not present in population databases (gnomAD no frequency). This variant has not been reported in the literature in individuals affected with GPR179-related conditions. Algorithms developed to predict the effect of missense changes on protein structure and function are either unavailable or do not agree on the potential impact of this missense change (SIFT: "Deleterious"; PolyPhen-2: "Possibly Damaging"; Align-GVGD: "Class C0"). Algorithms developed to predict the effect of sequence changes on RNA splicing suggest that this variant may create or strengthen a splice site. In summary, the available evidence is currently insufficient to determine the role of this variant in disease. Therefore, it has been classified as a Variant of Uncertain Significance.